The following is an entry in ClinVar:

ClinVar aggregate classification (germline): Benign/Likely benign. Review status: criteria provided, multiple submitters, no conflicts (2 of 4 stars). 25 submissions from 25 submitters: Benign (20); Likely benign (1). 4 of the submissions do not count toward it. Last evaluated 2026-10-01.

Conditions:
Tuberous sclerosis 2 (TSC2). Identifiers: Orphanet 805, MedGen C1860707, MONDO:0013199, OMIM 613254.
Lymphangiomyomatosis (LAM). Also called: Lymphangioleiomyomatosis; Lymphangioleiomyomatosis, somatic. Identifiers: Orphanet 538, MedGen C0751674, MONDO:0011705, OMIM 606690.
Isolated focal cortical dysplasia type II (FCORD2). Also called: Focal cortical dysplasia type II; CORTICAL DYSPLASIA OF TAYLOR. Identifiers: Orphanet 268994, MedGen C1846385, MONDO:0011818, OMIM 607341, HP:0032051.
Hereditary cancer-predisposing syndrome. Also called: Neoplastic Syndromes, Hereditary; Tumor predisposition; Hereditary Cancer Syndrome; Hereditary neoplastic syndrome. Identifiers: Orphanet 140162, MedGen C0027672, MeSH D009386, MONDO:0015356.
Tuberous sclerosis syndrome (TSC). Also called: Tuberous Sclerosis Complex; Tuberous sclerosis. Identifiers: Orphanet 805, MedGen C0041341, MONDO:0001734.

Allele frequency attached by ClinVar (database versions not stated): 1000 Genomes Project 0.00359; 1000 Genomes Project 30x 0.00359; gnomAD 0.00810 and 0.00823; TOPMed 0.00851; gnomAD exomes 0.01004 and 0.01076; ESP Exome Variant Server 0.01070; ExAC 0.01102.
gnomAD v4.1: 17,089 of 1,613,538 alleles (1.1%); highest among the groups gnomAD compares: Middle Eastern, 5%; 122 homozygotes.

Submissions (25):

CeGaT Center for Human Genetics Tuebingen
Classification: Benign. Last evaluated: 2026-10-01. Review status: criteria provided, single submitter. Criteria: CeGaT Center For Human Genetics Tuebingen Variant Classification Criteria Version 2. Collection method: clinical testing. Allele origin: germline. Affected: yes. Observed: 175 variant alleles.
Comment: TSC2: BP4, BP7, BS1, BS2

Labcorp Genetics (formerly Invitae), Labcorp
Classification: Benign for Tuberous sclerosis 2. Last evaluated: 2026-02-04. Review status: criteria provided, single submitter. Criteria: Invitae Variant Classification Sherloc (09022015). Collection method: clinical testing. Allele origin: germline.

ARUP Laboratories, Molecular Genetics and Genomics, ARUP Laboratories
Classification: Benign. Last evaluated: 2025-05-29. Review status: criteria provided, single submitter. Criteria: ARUP Molecular Germline Variant Investigation Process 2024. Collection method: clinical testing. Allele origin: germline.

Myriad Genetics, Inc.
Classification: Benign for Tuberous sclerosis 2. Last evaluated: 2025-05-13. Review status: criteria provided, single submitter. Criteria: Myriad Autosomal Dominant, Autosomal Recessive and X-Linked Classification Criteria (2023). Collection method: clinical testing. Allele origin: unknown.
Comment: This variant is considered benign. This variant is a silent/synonymous amino acid change and it is not expected to impact splicing.

Blueprint Genetics
Classification: Likely benign. Last evaluated: 2024-11-27. Review status: criteria provided, single submitter. Criteria: ACMG Guidelines, 2015. Collection method: clinical testing. Allele origin: germline.

All of Us Research Program, National Institutes of Health
Classification: Benign for Tuberous sclerosis syndrome. Last evaluated: 2024-02-05. Review status: criteria provided, single submitter. Criteria: ACMG Guidelines, 2015. Collection method: clinical testing. Allele origin: germline. Inheritance: Autosomal dominant inheritance. Observed: 2,481 variant alleles, 2,467 heterozygotes, 14 homozygotes.
Comment: This study involves interpretation of variants in research participants for the purpose of population health screening. Participant phenotype was not available at the time of variant classification. Additional details can be found in publication PMID: 35346344, PMCID: PMC8962531

KCCC/NGS Laboratory, Kuwait Cancer Control Center
Classification: Benign for Tuberous sclerosis 2. Last evaluated: 2023-07-07. Review status: criteria provided, single submitter. Criteria: ACMG Guidelines, 2015. Collection method: clinical testing. Allele origin: germline. Affected: yes.

Mayo Clinic Laboratories, Mayo Clinic
Classification: Benign. Last evaluated: 2022-12-07. Review status: criteria provided, single submitter. Criteria: ACMG Guidelines, 2015. Collection method: clinical testing. Allele origin: germline. Observed: 52 variant alleles.
Comment: BS1, BS2, BP4, BP7

Quest Diagnostics Nichols Institute San Juan Capistrano
Classification: Benign. Last evaluated: 2021-11-16. Review status: criteria provided, single submitter. Criteria: Quest Diagnostics criteria. Collection method: clinical testing. Allele origin: unknown.

Genome-Nilou Lab
Classification: Benign for Tuberous sclerosis 2. Last evaluated: 2021-11-07. Review status: criteria provided, single submitter. Criteria: ACMG Guidelines, 2015. Collection method: clinical testing. Allele origin: germline. Affected: no.

Department of Pathology and Laboratory Medicine, Sinai Health System
Classification: Benign for Lymphangiomyomatosis; Isolated focal cortical dysplasia type II; Tuberous sclerosis 2. Last evaluated: 2021-08-24. Review status: criteria provided, single submitter. Criteria: ACMG Guidelines, 2015. Collection method: clinical testing. Allele origin: germline. Affected: yes.

Color Diagnostics, LLC DBA Color Health
Classification: Benign for Tuberous sclerosis syndrome. Last evaluated: 2019-03-29. Review status: criteria provided, single submitter. Criteria: ACMG Guidelines, 2015. Collection method: clinical testing. Allele origin: germline.

Illumina Laboratory Services, Illumina
Classification: Benign for Tuberous sclerosis syndrome. Last evaluated: 2018-01-12. Review status: criteria provided, single submitter. Criteria: ICSL Variant Classification Criteria 13 December 2019. Collection method: clinical testing. Allele origin: germline.
Comment: This variant was observed in the ICSL laboratory as part of a predisposition screen in an ostensibly healthy population. It had not been previously curated by ICSL or reported in the Human Gene Mutation Database (HGMD: prior to June 1st, 2018), and was therefore a candidate for classification through an automated scoring system. Utilizing variant allele frequency, disease prevalence and penetrance estimates, and inheritance mode, an automated score was calculated to assess if this variant is too frequent to cause the disease. Based on the score and internal cut-off values, a variant classified as benign is not then subjected to further curation. The score for this variant resulted in a classification of benign for this disease.

Athena Diagnostics
Classification: Benign for Tuberous sclerosis 2. Last evaluated: 2017-05-30. Review status: criteria provided, single submitter. Criteria: Athena Diagnostics Criteria. Collection method: clinical testing. Allele origin: germline.

Women's Health and Genetics/Laboratory Corporation of America, LabCorp
Classification: Benign. Last evaluated: 2016-08-23. Review status: criteria provided, single submitter. Criteria: LabCorp Variant Classification Summary - May 2015. Collection method: clinical testing. Allele origin: germline.
Comment: Variant summary: The c.1110G>A (p.Gln370=) in TSC2 gene is a synonymous change that involves a non-conserved nucleotide. 5/5 programs in Alamut predict that this variant does not affect normal splicing, however no functional studies supporting this notion were published at the time of evaluation. The variant is present in the control population dataset of ExAC at frequency of 0.01 predominantly in individuals of European descent (0.016; 1083/65734) including 12 homozygous spread through 4 out of 6 populations. The variant of interest has been reported as polymorphism via publications and cited as Benign by multiple reputable databases/clinical laboratories. Taking together, based on the prevalence of this variant in general population the variant was classified as Benign.

Ambry Genetics
Classification: Benign for Hereditary cancer-predisposing syndrome. Last evaluated: 2014-11-21. Review status: criteria provided, single submitter. Criteria: Ambry Variant Classification Scheme 2023. Collection method: clinical testing. Allele origin: germline.

Genetic Services Laboratory, University of Chicago
Classification: Benign for AllHighlyPenetrant. Last evaluated: 2013-11-13. Review status: criteria provided, single submitter. Criteria: ACMG Guidelines, 2007. Collection method: clinical testing. Allele origin: germline. Inheritance: Autosomal dominant inheritance.

Laboratory for Molecular Medicine, Mass General Brigham Personalized Medicine
Classification: Benign. Last evaluated: 2013-02-21. Review status: criteria provided, single submitter. Criteria: LMM Criteria. Collection method: clinical testing. Allele origin: germline. Observed: 1 variant allele.
Comment: Gln370Gln in exon 11 of TSC2: This variant is not expected to have clinical sign ificance because it does not alter an amino acid residue and is not located with in the splice consensus sequence. It has been identified in 1.5% (125/8600) of E uropean American chromosomes from a broad population by the NHLBI Exome Sequenci ng Project (dbSNP rs1800742).

GeneDx
Classification: Benign. Last evaluated: 2012-03-20. Review status: criteria provided, single submitter. Criteria: GeneDx Variant Classification (06012015). Collection method: clinical testing. Allele origin: germline. Affected: yes.
Comment: This variant is considered likely benign or benign based on one or more of the following criteria: it is a conservative change, it occurs at a poorly conserved position in the protein, it is predicted to be benign by multiple in silico algorithms, and/or has population frequency not consistent with disease.

Breakthrough Genomics
Classification: Benign. Review status: criteria provided, single submitter. Criteria: ACMG Guidelines, 2015. Collection method: not provided. Allele origin: germline. Inheritance: Autosomal dominant inheritance. Affected: yes.

PreventionGenetics, part of Exact Sciences
Classification: Benign. Review status: criteria provided, single submitter. Criteria: ACMG Guidelines, 2015. Collection method: clinical testing. Allele origin: germline.

Clinical Genetics DNA and cytogenetics Diagnostics Lab, Erasmus MC, Erasmus Medical Center
Classification: Benign. Review status: no assertion criteria provided. Collection method: clinical testing. Allele origin: germline. Affected: yes. Study: VKGL Data-share Consensus. Not counted in ClinVar's aggregate classification.

Clinical Genetics, Academic Medical Center
Classification: Benign. Review status: no assertion criteria provided. Collection method: clinical testing. Allele origin: germline. Affected: yes. Study: VKGL Data-share Consensus. Not counted in ClinVar's aggregate classification.

Genome Diagnostics Laboratory, Amsterdam University Medical Center
Classification: Benign. Review status: no assertion criteria provided. Collection method: clinical testing. Allele origin: germline. Affected: yes. Study: VKGL Data-share Consensus. Not counted in ClinVar's aggregate classification.

Tuberous sclerosis database (TSC2)
No classification provided. Condition: TSC. Review status: no classification provided. Criteria: Tuberous Sclerosis Database Assertion Criteria 2015. Collection method: curation. Allele origin: germline. Affected: yes. Not counted in ClinVar's aggregate classification.

Literature cited by the submitters: PubMed 17304050 (cited by Quest Diagnostics Nichols Institute San Juan Capistrano and Athena Diagnostics); PubMed 15595939 (cited by Quest Diagnostics Nichols Institute San Juan Capistrano and Athena Diagnostics); PubMed 12111193 (cited by Quest Diagnostics Nichols Institute San Juan Capistrano and Athena Diagnostics); PubMed 16114042 (cited by Quest Diagnostics Nichols Institute San Juan Capistrano and Athena Diagnostics); PubMed 10205261 (cited by Quest Diagnostics Nichols Institute San Juan Capistrano and Athena Diagnostics); PubMed 10533067 (cited by Quest Diagnostics Nichols Institute San Juan Capistrano and Athena Diagnostics); PubMed 11437991 (cited by Quest Diagnostics Nichols Institute San Juan Capistrano and Athena Diagnostics); PubMed 10732801 (cited by Quest Diagnostics Nichols Institute San Juan Capistrano and Athena Diagnostics); PubMed 16042315 (cited by Quest Diagnostics Nichols Institute San Juan Capistrano and Athena Diagnostics); PubMed 15483652 (cited by Athena Diagnostics and Women's Health and Genetics/Laboratory Corporation of America, LabCorp); PubMed 15798777 (cited by Athena Diagnostics); PubMed 21309039 (cited by Athena Diagnostics).

NM_000548.5(TSC2):c.1110G>A (p.Gln370=)

Gene: TSC2 (TSC complex subunit 2; plus strand). Cytogenetic location: 16p13.3.
Variant type: single nucleotide variant.
Coding change: c.1110G>A on transcript NM_000548.5 (MANE Select); coding-DNA position 1110, G replaced by A.
Protein change: p.Gln370=; no amino-acid change (glutamine 370 retained).
Molecular consequence: synonymous variant.
Genome position (GRCh38, 1-based): chr16:2,060,804, G>A. VCF-style: chr16-2060804-G-A. GRCh37 (hg19) VCF-style: chr16-2110805-G-A.
Other names: p.Q370Q:CAG>CAA; p.Gln370=; c.1110G>A (NM_000548.4); c.1110G>A, p.Gln370= (NM_001077183.3, NM_001114382.3, NM_001363528.2 and 3 more transcripts); c.999G>A, p.Gln333= (NM_001318827.2); c.963G>A, p.Gln321= (NM_001318829.2); c.510G>A, p.Gln170= (NM_001318831.2); c.1143G>A, p.Gln381= (NM_001318832.2).
Identifiers: ClinVar variation 49141 (VCV000049141.67), dbSNP rs1800742, ClinGen allele CA013804.